The following is an entry in ClinVar:

ClinVar aggregate classification (germline): Likely benign. Review status: criteria provided, multiple submitters, no conflicts (2 of 4 stars). 6 submissions from 5 submitters: Likely benign (6). Last evaluated 2026-01-13.

Conditions:
Developmental and epileptic encephalopathy, 14 (DEE14). Also called: Early infantile epileptic encephalopathy 14. Identifiers: Orphanet 293181, MedGen C3554195, MONDO:0013989, OMIM 614959.
Autosomal dominant nocturnal frontal lobe epilepsy 5. Also called: CILIARY DYSKINESIA, PRIMARY, 28, WITH SITUS INVERSUS; Epilepsy, nocturnal frontal lobe, 5; CILIARY DYSKINESIA, PRIMARY, 28, WITHOUT SITUS INVERSUS; KCNT1-Related Epilepsy. Identifiers: Orphanet 98784, MedGen C3554306, MONDO:0014002, OMIM 615005.

Submissions (6):

Labcorp Genetics (formerly Invitae), Labcorp
Classification: Likely benign for Autosomal dominant nocturnal frontal lobe epilepsy 5; Developmental and epileptic encephalopathy, 14. Last evaluated: 2026-01-13. Review status: criteria provided, single submitter. Criteria: Invitae Variant Classification Sherloc (09022015). Collection method: clinical testing. Allele origin: germline.

CeGaT Center for Human Genetics Tuebingen
Classification: Likely benign. Last evaluated: 2025-11-01. Review status: criteria provided, single submitter. Criteria: CeGaT Center For Human Genetics Tuebingen Variant Classification Criteria Version 2. Collection method: clinical testing. Allele origin: germline. Affected: yes. Observed: 5 variant alleles.
Comment: KCNT1: BS1

Blueprint Genetics
Classification: Likely benign. Last evaluated: 2024-10-22. Review status: criteria provided, single submitter. Criteria: ACMG Guidelines, 2015. Collection method: clinical testing. Allele origin: germline.

GeneDx
Classification: Likely benign. Last evaluated: 2022-05-17. Review status: criteria provided, single submitter. Criteria: GeneDx Variant Classification Process June 2021. Collection method: clinical testing. Allele origin: germline. Affected: yes.
Comment: See Variant Classification Assertion Criteria.

Genome-Nilou Lab
Classification: Likely benign for Developmental and epileptic encephalopathy, 14. Last evaluated: 2022-03-15. Review status: criteria provided, single submitter. Criteria: ACMG Guidelines, 2015. Collection method: clinical testing. Allele origin: germline. Affected: no.

Genome-Nilou Lab
Classification: Likely benign for Autosomal dominant nocturnal frontal lobe epilepsy 5. Last evaluated: 2022-03-15. Review status: criteria provided, single submitter. Criteria: ACMG Guidelines, 2015. Collection method: clinical testing. Allele origin: germline. Affected: no.

NM_020822.3(KCNT1):c.1619+5GTGCCCC[3]

Gene: KCNT1 (potassium sodium-activated channel subfamily T member 1; plus strand). Cytogenetic location: 9q34.3.
Variant type: Microsatellite.
Coding change: c.1619+5GTGCCCC[3] on transcript NM_020822.3 (MANE Select); three copies in a row of the 7-base unit GTGCCCC starting at c.1619+5.
Molecular consequence: intron variant.
Genome position: GRCh38 VCF-style: chr9-135770059-A-AGTGCCCC. GRCh37 (hg19) VCF-style: chr9-138661905-A-AGTGCCCC.
Other names: c.1619+13_1619+19dupTGCCCCG (NM_020822.2); c.1484+5GTGCCCC[3] (NM_001272003.2).
Identifiers: ClinVar variation 422477 (VCV000422477.41), dbSNP rs573524284, ClinGen allele CA5326974.